The following is an entry in ClinVar:

NM_001330260.2(SCN8A):c.2424dup (p.Pro809fs)

Gene: SCN8A (sodium voltage-gated channel alpha subunit 8; plus strand). Cytogenetic location: 12q13.13.
Variant type: Duplication.
Coding change: c.2424dup on transcript NM_001330260.2 (MANE Select); coding-DNA position 2424, one base duplicated (T; older notation c.2424dupT).
Protein change: p.Pro809fs; shifts the reading frame from proline 809.
Molecular consequence: frameshift variant.
Genome position (GRCh38, 1-based): chr12:51,762,556, T duplicated. VCF-style (leftmost placement, unchanged base first): chr12-51762555-A-AT. GRCh37 (hg19) VCF-style: chr12-52156339-A-AT.
Other names: c.2424dup, p.Pro809fs (NM_001177984.3, NM_001369788.1, NM_014191.4); short protein forms P809fs.
Identifiers: ClinVar variation 5002005 (VCV005002005.1).

ClinVar aggregate classification (germline): Likely pathogenic (1 of 4 stars; one submission).

Conditions:
SCN8A-related disorder.

Submission:

PreventionGenetics, part of Exact Sciences
Classification: Likely pathogenic for SCN8A-related condition. Last evaluated: 2025-06-19. Review status: criteria provided, single submitter. Criteria: ACMG Guidelines, 2015. Collection method: clinical testing. Allele origin: germline.
Comment: The SCN8A c.2424dupT variant is predicted to result in a frameshift and premature protein termination (p.Pro809Serfs*13). To our knowledge, this variant has not been reported in the literature or in a large population database (gnomAD), indicating this variant is rare. Frameshift variants in SCN8A are expected to be pathogenic. This variant is interpreted as likely pathogenic.